The following is an entry in ClinVar:

NM_000045.4(ARG1):c.688_691dup (p.Phe231Ter)

Genes: ARG1 (arginase 1; plus strand), MED23 (mediator complex subunit 23; minus strand). Cytogenetic location: 6q23.2.
Variant type: Duplication.
Coding change: c.688_691dup on transcript NM_000045.4 (MANE Select); coding-DNA positions 688 to 691, 4 bases duplicated (AGTT; older notation c.688_691dupAGTT).
Protein change: p.Phe231Ter; replaces phenylalanine 231 with a stop codon.
Molecular consequence: nonsense. On other transcripts: non-coding transcript variant (1), intron variant (2).
Genome position (GRCh38, 1-based): chr6:131,583,377-131,583,380, AGTT duplicated. VCF-style (leftmost placement, unchanged base first): chr6-131583376-A-AAGTT. GRCh37 (hg19) VCF-style: chr6-131904516-A-AAGTT.
Other names: c.712_715dup, p.Phe239Ter (NM_001244438.2); c.433_436dup, p.Phe146Ter (NM_001369020.1); c.4077+4329_4077+4332dup (NM_001270521.2); c.4095+4329_4095+4332dup (NM_015979.4); short protein forms F146*, F231*, F239*.
Identifiers: ClinVar variation 4759926 (VCV004759926.1).
Genomic context (GRCh38, chr6:131,583,376, plus strand): 5'-ATCAACCTTAAACTGAAATCCTTTCCCACTTCTTAAAAGAAAGAAAAGGCCAATTCATCT[A>AAGTT]AGTTTTGATGTTGACGGACTGGACCCATCTTTCACACCAGCTACTGGCACACCAGTCGTG-3'

ClinVar aggregate classification (germline): Pathogenic (1 of 4 stars; one submission).

Conditions:
Arginase deficiency. Also called: ARGININEMIA; ARG1 DEFICIENCY; Arginase 1 Deficiency. Identifiers: Orphanet 90, MedGen C0268548, MONDO:0008814, OMIM 207800.

Submission:

Labcorp Genetics (formerly Invitae), Labcorp
Classification: Pathogenic for Arginase deficiency. Last evaluated: 2025-09-27. Review status: criteria provided, single submitter. Criteria: Invitae Variant Classification Sherloc (09022015). Collection method: clinical testing. Allele origin: germline.
Comment: This sequence change creates a premature translational stop signal (p.Phe231*) in the ARG1 gene. It is expected to result in an absent or disrupted protein product. Loss-of-function variants in ARG1 are known to be pathogenic (PMID: 7649538, 12052859). This variant is not present in population databases (gnomAD no frequency). This variant has not been reported in the literature in individuals affected with ARG1-related conditions. Algorithms developed to predict the effect of sequence changes on RNA splicing suggest that this variant may disrupt the consensus splice site. For these reasons, this variant has been classified as Pathogenic.

Literature cited by the submitters: PubMed 7649538; PubMed 12052859.